The following is an entry in ClinVar:

NM_000440.3(PDE6A):c.1928G>T (p.Ser643Ile)

Gene: PDE6A (phosphodiesterase 6A; minus strand). Cytogenetic location: 5q32.
Variant type: single nucleotide variant.
Coding change: c.1928G>T on transcript NM_000440.3 (MANE Select); coding-DNA position 1928, G replaced by T.
Protein change: p.Ser643Ile; replaces serine 643 with isoleucine.
Molecular consequence: missense variant.
Genome position (GRCh38, 1-based): chr5:149,884,578, C>A on the plus strand (G>T on the coding strand, the complement: PDE6A is on the minus strand). VCF-style: chr5-149884578-C-A. GRCh37 (hg19) VCF-style: chr5-149264141-C-A.
Other names: c.1928G>T (NM_000440.2); short protein forms S643I.
Identifiers: ClinVar variation 1495131 (VCV001495131.11), dbSNP rs578228152, ClinGen allele CA3504460.
Genomic context (GRCh38, chr5:149,884,578, plus strand): 5'-TCCATCATGTGGATGGCATGCTCATGCTGTCGACGATTGAGGTTTTGAAAGATATTCAGG[C>A]TCTAAAGAAAAAAAGAGAAGCGAGATGGGAGAGAATTGATGCTGGCAGTAAAGTCACCCA-3'
Protein context (NP_000431.2, residues 633-653): EFGKTLLRDE[Ser643Ile]LNIFQNLNRR

ClinVar aggregate classification (germline): Uncertain significance. Review status: criteria provided, multiple submitters, no conflicts (2 of 4 stars). 4 submissions from 4 submitters: Uncertain significance (4). Last evaluated 2026-03-27.

Conditions:
Inborn genetic diseases. Identifiers: MedGen C0950123, MeSH D030342.
PDE6A-related disorder. Also called: PDE6A-related condition.

Allele frequency attached by ClinVar (database versions not stated): gnomAD exomes 0.00001 and 0.00005; TOPMed 0.00001; gnomAD 0.00003; ExAC 0.00004; 1000 Genomes Project 30x 0.00016; 1000 Genomes Project 0.00020.
gnomAD v4.1: 17 of 1,612,496 alleles (0.0011%); highest among the groups gnomAD compares: East Asian, 0.036%; no homozygotes.

Submissions (4):

PreventionGenetics, part of Exact Sciences
Classification: Uncertain significance for PDE6A-related condition. Last evaluated: 2026-03-27. Review status: criteria provided, single submitter. Criteria: ACMG Guidelines, 2015. Collection method: clinical testing. Allele origin: germline.
Comment: The PDE6A c.1928G>T variant is predicted to result in the amino acid substitution p.Ser643Ile. To our knowledge, this variant has not been reported in the literature. This variant is reported in 0.080% of alleles in individuals of East Asian descent in gnomAD, which may be too frequent to be a primary cause of disease. Although we suspect that this variant may be benign, at this time, the clinical significance of this variant is uncertain due to the absence of conclusive functional and genetic evidence.

Blueprint Genetics
Classification: Uncertain significance. Last evaluated: 2024-10-31. Review status: criteria provided, single submitter. Criteria: ACMG Guidelines, 2015. Collection method: clinical testing. Allele origin: germline.

Ambry Genetics
Classification: Uncertain significance for Inborn genetic diseases. Last evaluated: 2023-09-22. Review status: criteria provided, single submitter. Criteria: Ambry Variant Classification Scheme 2023. Collection method: clinical testing. Allele origin: germline.

Labcorp Genetics (formerly Invitae), Labcorp
Classification: Uncertain significance. Last evaluated: 2022-09-27. Review status: criteria provided, single submitter. Criteria: Invitae Variant Classification Sherloc (09022015). Collection method: clinical testing. Allele origin: germline.
Comment: This sequence change replaces serine, which is neutral and polar, with isoleucine, which is neutral and non-polar, at codon 643 of the PDE6A protein (p.Ser643Ile). This variant is present in population databases (rs578228152, gnomAD 0.08%). In summary, the available evidence is currently insufficient to determine the role of this variant in disease. Therefore, it has been classified as a Variant of Uncertain Significance. Algorithms developed to predict the effect of missense changes on protein structure and function (SIFT, PolyPhen-2, Align-GVGD) all suggest that this variant is likely to be tolerated. ClinVar contains an entry for this variant (Variation ID: 1495131). This variant has not been reported in the literature in individuals affected with PDE6A-related conditions.